The following is an entry in ClinVar:

ClinVar aggregate classification (germline): Likely pathogenic (1 of 4 stars; one submission).

Conditions:
Neurodevelopmental disorder with microcephaly, arthrogryposis, and structural brain anomalies. Identifiers: Orphanet 664923, MedGen C5231431, MONDO:0032838, OMIM 618622.

Submission:

First Genomix Gene Laboratory, Genetic Diagnostics Department
Classification: Likely pathogenic for Neurodevelopmental disorder with microcephaly, arthrogryposis, and structural brain anomalies. Last evaluated: 2025-07-10. Review status: criteria provided, single submitter. Criteria: ACMG Guidelines, 2015. Collection method: clinical testing. Allele origin: germline. Inheritance: Autosomal recessive inheritance. Affected: no. Observed: 1 variant allele.

NM_017951.5(SMPD4):c.1446del (p.Gln483fs)

Gene: SMPD4 (sphingomyelin phosphodiesterase 4; minus strand). Cytogenetic location: 2q21.1.
Variant type: Deletion.
Coding change: c.1446del on transcript NM_017951.5 (MANE Select); coding-DNA position 1446, one base deleted (T; older notation c.1446delT).
Protein change: p.Gln483fs; shifts the reading frame from glutamine 483.
Molecular consequence: frameshift variant. On other transcripts: non-coding transcript variant (2).
Genome position (GRCh38, 1-based): chr2:130,155,103, A deleted on the plus strand (T on the coding strand, the reverse complement: SMPD4 is on the minus strand); the first of 2 consecutive A bases (chr2:130,155,103-130,155,104); deleting either gives the same sequence. VCF-style (leftmost placement, unchanged base first): chr2-130155102-GA-G. GRCh37 (hg19) VCF-style: chr2-130912675-GA-G.
Other names: c.1446delT (NM_017951.5); c.1257del, p.Gln420fs (NM_001171083.2); c.1476del, p.Gln493fs (NM_017751.4); short protein forms Q420fs, Q483fs, Q493fs.
Identifiers: ClinVar variation 4849354 (VCV004849354.1).